The following is an entry in ClinVar:

NM_012230.5(POMZP3):c.457C>T (p.Leu153=)

Genes: LINC03009 (long independently transcribed non-coding RNA 3009; plus strand), POMZP3 (POM121 and ZP3 fusion; minus strand). Cytogenetic location: 7q11.23.
Variant type: single nucleotide variant.
Coding change: c.457C>T on transcript NM_012230.5 (MANE Select); coding-DNA position 457, C replaced by T.
Protein change: p.Leu153=; no amino-acid change (leucine 153 retained).
Molecular consequence: synonymous variant. On other transcripts: intron variant (1).
Genome position (GRCh38, 1-based): chr7:76,611,572, G>A on the plus strand (C>T on the coding strand, the complement: POMZP3 is on the minus strand). VCF-style: chr7-76611572-G-A. GRCh37 (hg19) VCF-style: chr7-76240889-G-A.
Other names: c.346-1357C>T (NM_152992.4).
Identifiers: ClinVar variation 3770991 (VCV003770991.13).

ClinVar aggregate classification (germline): Likely benign (1 of 4 stars; one submission).

Submission:

CeGaT Center for Human Genetics Tuebingen
Classification: Likely benign. Last evaluated: 2025-02-01. Review status: criteria provided, single submitter. Criteria: CeGaT Center For Human Genetics Tuebingen Variant Classification Criteria Version 2. Collection method: clinical testing. Allele origin: germline. Affected: yes. Observed: 1 variant allele.
Comment: POMZP3: BP4, BP7